The following is an entry in ClinVar:

NM_000075.4(CDK4):c.644G>C (p.Cys215Ser)

Genes: CDK4 (cyclin dependent kinase 4; minus strand), TSPAN31 (tetraspanin 31; plus strand). Cytogenetic location: 12q14.1.
Variant type: single nucleotide variant.
Coding change: c.644G>C on transcript NM_000075.4 (MANE Select); coding-DNA position 644, G replaced by C.
Protein change: p.Cys215Ser; replaces cysteine 215 with serine.
Molecular consequence: missense variant. On other transcripts: 3 prime UTR variant (3).
Genome position (GRCh38, 1-based): chr12:57,749,493, C>G on the plus strand (G>C on the coding strand, the complement: CDK4 is on the minus strand). VCF-style: chr12-57749493-C-G. GRCh37 (hg19) VCF-style: chr12-58143276-C-G.
Other names: c.*2203C>G (NM_001330168.2, NM_001330169.2, NM_005981.5); short protein forms C215S.
Identifiers: ClinVar variation 1017299 (VCV001017299.11), dbSNP rs1955206509, ClinGen allele CA385544205.
Genomic context (GRCh38, chr12:57,749,493, plus strand): 5'-TCTCCCATGTTGGTCACTTACTCAAAGATTTTGCCCAACTGGTCGGCTTCAGAGTTTCCA[C>G]AGAAGAGAGGCCTAAGGTGAGAAGGGATATAAGGTAGCAGTCATTTTCAAAGATATCTTA-3'
Protein context (NP_000066.1, residues 205-225): AEMFRRKPLF[Cys215Ser]GNSEADQLGK

ClinVar aggregate classification (germline): Uncertain significance. Review status: criteria provided, multiple submitters, no conflicts (2 of 4 stars). 2 submissions from 2 submitters: Uncertain significance (2). Last evaluated 2022-04-29.

Conditions:
Hereditary cancer-predisposing syndrome. Also called: Tumor predisposition; Neoplastic Syndromes, Hereditary; Hereditary neoplastic syndrome; Hereditary Cancer Syndrome. Identifiers: Orphanet 140162, MedGen C0027672, MeSH D009386, MONDO:0015356.
Familial melanoma. Also called: Hereditary melanoma; Hereditary cutaneous melanoma. Identifiers: Orphanet 618, MedGen C1512419, MONDO:0018961.

Submissions (2):

Ambry Genetics
Classification: Uncertain significance for Hereditary cancer-predisposing syndrome. Last evaluated: 2022-04-29. Review status: criteria provided, single submitter. Criteria: Ambry Variant Classification Scheme 2023. Collection method: clinical testing. Allele origin: germline.
Comment: The p.C215S variant (also known as c.644G>C), located in coding exon 5 of the CDK4 gene, results from a G to C substitution at nucleotide position 644. The cysteine at codon 215 is replaced by serine, an amino acid with dissimilar properties. This amino acid position is highly conserved in available vertebrate species. In addition, this alteration is predicted to be deleterious by in silico analysis. Since supporting evidence is limited at this time, the clinical significance of this alteration remains unclear.

Labcorp Genetics (formerly Invitae), Labcorp
Classification: Uncertain significance for Familial melanoma. Last evaluated: 2020-10-09. Review status: criteria provided, single submitter. Criteria: Invitae Variant Classification Sherloc (09022015). Collection method: clinical testing. Allele origin: germline.
Comment: In summary, the available evidence is currently insufficient to determine the role of this variant in disease. Therefore, it has been classified as a Variant of Uncertain Significance. Advanced modeling of protein sequence and biophysical properties (such as structural, functional, and spatial information, amino acid conservation, physicochemical variation, residue mobility, and thermodynamic stability) performed at Invitae indicates that this missense variant is not expected to disrupt CDK4 protein function. This variant has not been reported in the literature in individuals with CDK4-related conditions. This variant is not present in population databases (ExAC no frequency). This sequence change replaces cysteine with serine at codon 215 of the CDK4 protein (p.Cys215Ser). The cysteine residue is highly conserved and there is a moderate physicochemical difference between cysteine and serine.